The following is an entry in ClinVar:

NM_002778.4(PSAP):c.723_726del (p.Ile240_Cys241insTer)

Gene: PSAP (prosaposin; minus strand). Cytogenetic location: 10q22.1.
Variant type: Deletion.
Coding change: c.723_726del on transcript NM_002778.4 (MANE Select); coding-DNA positions 723 to 726, 4 bases deleted (CAAG; older notation c.723_726delCAAG).
Protein change: p.Ile240_Cys241insTer.
Molecular consequence: nonsense.
Genome position (GRCh38, 1-based): chr10:71,825,888-71,825,891, CTTG deleted on the plus strand (CAAG on the coding strand, the reverse complement: PSAP is on the minus strand); deleting any 4 consecutive bases within chr10:71,825,888-71,825,892 gives the same sequence; the c. name uses the placement nearest the transcript's 3' end. VCF-style (leftmost placement, unchanged base first): chr10-71825887-TCTTG-T. GRCh37 (hg19) VCF-style: chr10-73585644-TCTTG-T.
Other names: c.723_726del, p.Ile240_Cys241insTer (NM_001042465.3, NM_001042466.3).
Identifiers: ClinVar variation 2122068 (VCV002122068.4), dbSNP rs2494516860, ClinGen allele CA2580081930.

ClinVar aggregate classification (germline): Pathogenic (1 of 4 stars; one submission).

Conditions:
Sphingolipid activator protein 1 deficiency. Also called: Metachromatic leukodystrophy due to saposin B deficiency; METACHROMATIC LEUKODYSTROPHY DUE TO CEREBROSIDE SULFATASE ACTIVATOR DEFICIENCY; Saposin B Deficiency. Identifiers: Orphanet 512, MedGen C0268262, MONDO:0009590, OMIM 249900.

Submission:

Labcorp Genetics (formerly Invitae), Labcorp
Classification: Pathogenic for Sphingolipid activator protein 1 deficiency. Last evaluated: 2025-02-24. Review status: criteria provided, single submitter. Criteria: Invitae Variant Classification Sherloc (09022015). Collection method: clinical testing. Allele origin: germline.
Comment: This sequence change creates a premature translational stop signal (p.Cys241*) in the PSAP gene. It is expected to result in an absent or disrupted protein product. Loss-of-function variants in PSAP are known to be pathogenic (PMID: 8554069, 11309366, 17616409, 19267410, 30632081). This variant is not present in population databases (gnomAD no frequency). This variant has not been reported in the literature in individuals affected with PSAP-related conditions. ClinVar contains an entry for this variant (Variation ID: 2122068). Algorithms developed to predict the effect of sequence changes on RNA splicing suggest that this variant may disrupt the consensus splice site. For these reasons, this variant has been classified as Pathogenic.

Literature cited by the submitters: PubMed 8554069; PubMed 11309366; PubMed 17616409; PubMed 19267410; PubMed 30632081.